The following is an entry in ClinVar:

ClinVar aggregate classification (germline): Likely benign (1 of 4 stars; one submission).

Conditions:
XYLT2-related disorder. Also called: XYLT2-related condition.

Submission:

PreventionGenetics, part of Exact Sciences
Classification: Likely benign for XYLT2-related condition. Last evaluated: 2025-11-10. Review status: criteria provided, single submitter. Criteria: ACMG Guidelines, 2015. Collection method: clinical testing. Allele origin: germline.
Comment: This variant is classified as likely benign based on ACMG/AMP sequence variant interpretation guidelines (Richards et al. 2015 PMID: 25741868, with internal and published modifications).

NM_022167.4(XYLT2):c.*3G>A

Gene: XYLT2 (xylosyltransferase 2; plus strand). Cytogenetic location: 17q21.33.
Variant type: single nucleotide variant.
Coding change: c.*3G>A on transcript NM_022167.4 (MANE Select); 3 bases downstream of the stop codon, G replaced by A.
Molecular consequence: 3 prime UTR variant.
Genome position (GRCh38, 1-based): chr17:50,360,294, G>A. VCF-style: chr17-50360294-G-A. GRCh37 (hg19) VCF-style: chr17-48437655-G-A.
Identifiers: ClinVar variation 4984521 (VCV004984521.1).